The following is an entry in ClinVar:

ClinVar aggregate classification (germline): Uncertain significance (1 of 4 stars; one submission).

Submission:

Labcorp Genetics (formerly Invitae), Labcorp
Classification: Uncertain significance. Last evaluated: 2025-04-10. Review status: criteria provided, single submitter. Criteria: Invitae Variant Classification Sherloc (09022015). Collection method: clinical testing. Allele origin: germline.
Comment: This sequence change replaces glutamic acid, which is acidic and polar, with aspartic acid, which is acidic and polar, at codon 130 of the MOCS3 protein (p.Glu130Asp). The frequency data for this variant in the population databases is considered unreliable, as metrics indicate poor data quality at this position in the gnomAD database. This variant has not been reported in the literature in individuals affected with MOCS3-related conditions. An algorithm developed to predict the effect of missense changes on protein structure and function (PolyPhen-2) suggests that this variant is likely to be disruptive. In summary, the available evidence is currently insufficient to determine the role of this variant in disease. Therefore, it has been classified as a Variant of Uncertain Significance.

NM_014484.5(MOCS3):c.390G>T (p.Glu130Asp)

Gene: MOCS3 (molybdenum cofactor synthesis 3; plus strand). Cytogenetic location: 20q13.13.
Variant type: single nucleotide variant.
Coding change: c.390G>T on transcript NM_014484.5 (MANE Select); coding-DNA position 390, G replaced by T.
Protein change: p.Glu130Asp; replaces glutamic acid 130 with aspartic acid.
Molecular consequence: missense variant.
Genome position (GRCh38, 1-based): chr20:50,959,232, G>T. VCF-style: chr20-50959232-G-T. GRCh37 (hg19) VCF-style: chr20-49575769-G-T.
Other names: short protein forms E130D.
Identifiers: ClinVar variation 4811149 (VCV004811149.1).